The following is an entry in ClinVar:

NM_004782.4(SNAP29):c.*2961T>C

Gene: SNAP29 (synaptosome associated protein 29; plus strand). Cytogenetic location: 22q11.21.
Variant type: single nucleotide variant.
Coding change: c.*2961T>C on transcript NM_004782.4 (MANE Select); 2961 bases downstream of the stop codon, T replaced by C.
Molecular consequence: 3 prime UTR variant.
Genome position (GRCh38, 1-based): chr22:20,890,797, T>C. VCF-style: chr22-20890797-T-C. GRCh37 (hg19) VCF-style: chr22-21245085-T-C.
Identifiers: ClinVar variation 340898 (VCV000340898.6), dbSNP rs165715, ClinGen allele CA10645165.

ClinVar aggregate classification (germline): Benign. Review status: criteria provided, multiple submitters, no conflicts (2 of 4 stars). 2 submissions from 2 submitters: Benign (2). Last evaluated 2018-01-12.

Conditions:
CEDNIK syndrome. Also called: CEREBRAL DYSGENESIS, NEUROPATHY, ICHTHYOSIS, AND PALMOPLANTAR KERATODERMA SYNDROME; Cerebral dysgenesis, neuropathy, ichthyosis, and palmoplantar keratoderma. Identifiers: Orphanet 66631, MedGen C1836033, MONDO:0012290, OMIM 609528.

Allele frequency attached by ClinVar (database versions not stated): gnomAD exomes 0.10927; gnomAD 0.38466 and 0.38730; TOPMed 0.41169; 1000 Genomes Project 0.42612; 1000 Genomes Project 30x 0.43082.
gnomAD v4.1: 56,506 of 146,688 alleles (39%); highest among the groups gnomAD compares: East Asian, 48%; 11,299 homozygotes.

Submissions (2):

Illumina Laboratory Services, Illumina
Classification: Benign for CEDNIK syndrome. Last evaluated: 2018-01-12. Review status: criteria provided, single submitter. Criteria: ICSL Variant Classification Criteria 13 December 2019. Collection method: clinical testing. Allele origin: germline.
Comment: This variant was observed in the ICSL laboratory as part of a predisposition screen in an ostensibly healthy population. It had not been previously curated by ICSL or reported in the Human Gene Mutation Database (HGMD: prior to June 1st, 2018), and was therefore a candidate for classification through an automated scoring system. Utilizing variant allele frequency, disease prevalence and penetrance estimates, and inheritance mode, an automated score was calculated to assess if this variant is too frequent to cause the disease. Based on the score and internal cut-off values, a variant classified as benign is not then subjected to further curation. The score for this variant resulted in a classification of benign for this disease.

Breakthrough Genomics
Classification: Benign. Review status: criteria provided, single submitter. Criteria: ACMG Guidelines, 2015. Collection method: not provided. Allele origin: germline. Inheritance: Autosomal recessive inheritance. Affected: yes.